The following is an entry in ClinVar:

ClinVar aggregate classification (germline): Conflicting classifications of pathogenicity. Review status: criteria provided, conflicting classifications (1 of 4 stars). 5 submissions from 5 submitters: Uncertain significance (1); Likely benign (3). 1 of the submissions does not count toward it. Last evaluated 2026-03-01.

Conditions:
SKI-related disorder. Also called: SKI-related condition.
Shprintzen-Goldberg syndrome (SGS). Also called: SHPRINTZEN-GOLDBERG CRANIOSYNOSTOSIS SYNDROME; CRANIOSYNOSTOSIS WITH ARACHNODACTYLY AND ABDOMINAL HERNIAS; Marfanoid disorder with craniosynostosis type 1; Marfanoid craniosynostosis syndrome; Shprintzen-Goldberg marfanoid syndrome. Identifiers: Orphanet 2462, MedGen C1321551, MONDO:0008426, OMIM 182212.
Familial thoracic aortic aneurysm and aortic dissection (TAAD). Also called: Thoracic aortic aneurysms and dissections. Identifiers: Orphanet 91387, MedGen C4707243, MONDO:0019625.

Allele frequency attached by ClinVar (database versions not stated): ExAC 0.00024; 1000 Genomes Project 30x 0.00031; 1000 Genomes Project 0.00040; gnomAD 0.00053 and 0.00056; TOPMed 0.00055; ESP Exome Variant Server 0.00058.
gnomAD v4.1: 178 of 1,551,552 alleles (0.011%); highest among the groups gnomAD compares: African/African-American, 0.17%; no homozygotes.

Submissions (5):

CeGaT Center for Human Genetics Tuebingen
Classification: Likely benign. Last evaluated: 2026-03-01. Review status: criteria provided, single submitter. Criteria: CeGaT Center For Human Genetics Tuebingen Variant Classification Criteria Version 2. Collection method: clinical testing. Allele origin: germline. Affected: yes. Observed: 2 variant alleles.
Comment: SKI: BS1

Labcorp Genetics (formerly Invitae), Labcorp
Classification: Likely benign for Shprintzen-Goldberg syndrome. Last evaluated: 2026-01-12. Review status: criteria provided, single submitter. Criteria: Invitae Variant Classification Sherloc (09022015). Collection method: clinical testing. Allele origin: germline.

Ambry Genetics
Classification: Likely benign for Familial thoracic aortic aneurysm and aortic dissection. Last evaluated: 2021-10-29. Review status: criteria provided, single submitter. Criteria: Ambry Variant Classification Scheme 2023. Collection method: clinical testing. Allele origin: germline.

GeneDx
Classification: Uncertain significance. Last evaluated: 2015-03-26. Review status: criteria provided, single submitter. Criteria: GeneDx Variant Classification (06012015). Collection method: clinical testing. Allele origin: germline. Affected: yes.
Comment: p.Ala510Thr (A510T) GCC>ACC: c.1528 G>A in exon 5 of the SKI gene (NM_003036.3) A variant of unknown significance has been identified in the SKI gene. The A510T variant has not been published as a mutation or as a benign polymorphism to our knowledge. The A510T variant is a non-conservative amino acid substitution, which is likely to impact secondary protein structure as these residues differ in polarity, charge, size and/or other properties. In addition, this substitution occurs at a position that is conserved across mammals. However, in silico analysis is inconsistent in its predictions as to whether or not the variant is damaging to the protein structure/function. Additionally, the NHLBI Exome Sequencing Project reports A510T was observed in 7/4114 alleles (0.2%) from individuals of African American ancestry and the 1000 Genomes Project reports A510T was observed in 1/192 alleles (0.52%) from individuals of African Caribbean ancestry, indicating it may be a rare benign variant in these populations. Furthermore, no missense mutations in nearby residues have been reported in association with SGS, indicating this region of the protein may be tolerant of change. Therefore, based on the currently available information, it is unclear whether this variant is a pathogenic mutation or a rare benign variant. This variant was found in TAADV2-1

PreventionGenetics, part of Exact Sciences
Classification: Likely benign for SKI-related condition. Last evaluated: 2023-02-22. Review status: no assertion criteria provided. Collection method: clinical testing. Allele origin: germline. Not counted in ClinVar's aggregate classification.
Comment: This variant is classified as likely benign based on ACMG/AMP sequence variant interpretation guidelines (Richards et al. 2015 PMID: 25741868, with internal and published modifications).

NM_003036.4(SKI):c.1528G>A (p.Ala510Thr)

Gene: SKI (SKI proto-oncogene; plus strand). Cytogenetic location: 1p36.32.
Variant type: single nucleotide variant.
Coding change: c.1528G>A on transcript NM_003036.4 (MANE Select); coding-DNA position 1528, G replaced by A.
Protein change: p.Ala510Thr; replaces alanine 510 with threonine.
Molecular consequence: missense variant.
Genome position (GRCh38, 1-based): chr1:2,304,346, G>A. VCF-style: chr1-2304346-G-A. GRCh37 (hg19) VCF-style: chr1-2235785-G-A.
Other names: p.A510T:GCC>ACC; short protein forms A510T.
Identifiers: ClinVar variation 213695 (VCV000213695.36), dbSNP rs61735580, ClinGen allele CA319823.